The following is an entry in ClinVar:

ClinVar aggregate classification (germline): Likely benign. Review status: criteria provided, single submitter (1 of 4 stars). 2 submissions from 2 submitters: Likely benign (1). 1 of the submissions does not count toward it. Last evaluated 2025-07-09.

Conditions:
Bardet-Biedl syndrome (BBS). Identifiers: Orphanet 110, MedGen C0752166, MONDO:0015229.
BBS12-related disorder. Also called: BBS12-related condition.

Allele frequency attached by ClinVar (database versions not stated): ExAC 0.00003; gnomAD 0.00003 and 0.00004; gnomAD exomes 0.00003 and 0.00004; TOPMed 0.00003; ESP Exome Variant Server 0.00015.
gnomAD v4.1: 58 of 1,613,412 alleles (0.0036%); highest among the groups gnomAD compares: Middle Eastern, 0.016%; no homozygotes.

Submissions (2):

Labcorp Genetics (formerly Invitae), Labcorp
Classification: Likely benign for Bardet-Biedl syndrome. Last evaluated: 2025-07-09. Review status: criteria provided, single submitter. Criteria: Invitae Variant Classification Sherloc (09022015). Collection method: clinical testing. Allele origin: germline.

PreventionGenetics, part of Exact Sciences
Classification: Likely benign for BBS12-related condition. Last evaluated: 2023-06-12. Review status: no assertion criteria provided. Collection method: clinical testing. Allele origin: germline. Not counted in ClinVar's aggregate classification.
Comment: This variant is classified as likely benign based on ACMG/AMP sequence variant interpretation guidelines (Richards et al. 2015 PMID: 25741868, with internal and published modifications).

NM_152618.3(BBS12):c.69G>A (p.Ala23=)

Gene: BBS12 (Bardet-Biedl syndrome 12; plus strand). Cytogenetic location: 4q27.
Variant type: single nucleotide variant.
Coding change: c.69G>A on transcript NM_152618.3 (MANE Select); coding-DNA position 69, G replaced by A.
Protein change: p.Ala23=; no amino-acid change (alanine 23 retained).
Molecular consequence: synonymous variant.
Genome position (GRCh38, 1-based): chr4:122,741,961, G>A. VCF-style: chr4-122741961-G-A. GRCh37 (hg19) VCF-style: chr4-123663116-G-A.
Other names: c.69G>A, p.Ala23= (NM_001178007.2); c.69G>A (NM_152618.2).
Identifiers: ClinVar variation 1475907 (VCV001475907.9), dbSNP rs138579304, ClinGen allele CA3069235.